The following is an entry in ClinVar:

NM_000321.3(RB1):c.707A>G (p.Lys236Arg)

Gene: RB1 (RB transcriptional corepressor 1; plus strand). Cytogenetic location: 13q14.2.
Variant type: single nucleotide variant.
Coding change: c.707A>G on transcript NM_000321.3 (MANE Select); coding-DNA position 707, A replaced by G.
Protein change: p.Lys236Arg; replaces lysine 236 with arginine.
Molecular consequence: missense variant.
Genome position (GRCh38, 1-based): chr13:48,360,116, A>G. VCF-style: chr13-48360116-A-G. GRCh37 (hg19) VCF-style: chr13-48934252-A-G.
Other names: short protein forms K236R.
Identifiers: ClinVar variation 1039739 (VCV001039739.8), dbSNP rs1952626193, ClinGen allele CA388158604.
Genomic context (GRCh38, chr13:48,360,116, plus strand): 5'-TTCAGTTAATGCTATGTGTCCTTGACTATTTTATTAAACTCTCACCTCCCATGTTGCTCA[A>G]AGAACCATATAGTAAGTATTTAATTTATGCCCCTTTTACTTTCTCATTCAGCAGTTGCTT-3'
Protein context (NP_000312.2, residues 226-246): FIKLSPPMLL[Lys236Arg]EPYKTAVIPI

ClinVar aggregate classification (germline): Uncertain significance (1 of 4 stars; one submission).

Conditions:
Retinoblastoma (RB1). Also called: RETINOBLASTOMA, SOMATIC. Identifiers: Orphanet 790, MedGen C0035335, MeSH D012175, MONDO:0008380, OMIM 180200, HP:0009919. Disease mechanism: loss of function. Inheritance: Both sporadic and heritable forms are tested..

Submission:

Labcorp Genetics (formerly Invitae), Labcorp
Classification: Uncertain significance for Retinoblastoma. Last evaluated: 2020-01-16. Review status: criteria provided, single submitter. Criteria: Invitae Variant Classification Sherloc (09022015). Collection method: clinical testing. Allele origin: germline.
Comment: This variant is not present in population databases (ExAC no frequency). In summary, the available evidence is currently insufficient to determine the role of this variant in disease. Therefore, it has been classified as a Variant of Uncertain Significance. Algorithms developed to predict the effect of sequence changes on RNA splicing suggest that this variant may create or strengthen a splice site, but this prediction has not been confirmed by published transcriptional studies. Algorithms developed to predict the effect of missense changes on protein structure and function output the following: SIFT: "Tolerated"; PolyPhen-2: "Benign"; Align-GVGD: "Class C0". The arginine amino acid residue is found in multiple mammalian species, suggesting that this missense change does not adversely affect protein function. These predictions have not been confirmed by published functional studies and their clinical significance is uncertain. This variant has not been reported in the literature in individuals with RB1-related conditions. This sequence change replaces lysine with arginine at codon 236 of the RB1 protein (p.Lys236Arg). The lysine residue is moderately conserved and there is a small physicochemical difference between lysine and arginine.